The following is an entry in ClinVar:

NM_001033855.3(DCLRE1C):c.560T>G (p.Leu187Ter)

Gene: DCLRE1C (DNA cross-link repair 1C; minus strand). Cytogenetic location: 10p13.
Variant type: single nucleotide variant.
Coding change: c.560T>G on transcript NM_001033855.3 (MANE Select); coding-DNA position 560, T replaced by G.
Protein change: p.Leu187Ter; replaces leucine 187 with a stop codon.
Molecular consequence: nonsense. On other transcripts: non-coding transcript variant (4).
Genome position (GRCh38, 1-based): chr10:14,934,498, A>C on the plus strand (T>G on the coding strand, the complement: DCLRE1C is on the minus strand). VCF-style: chr10-14934498-A-C. GRCh37 (hg19) VCF-style: chr10-14976497-A-C.
Other names: c.215T>G, p.Leu72Ter (NM_001289076.2, NM_001289078.2, NM_001350966.2 and 1 more transcripts); c.200T>G, p.Leu67Ter (NM_001289077.2, NM_001289079.2, NM_001350967.2 and 2 more transcripts); c.560T>G, p.Leu187Ter (NM_001350965.2); short protein forms L187*, L67*, L72*.
Identifiers: ClinVar variation 4077180 (VCV004077180.1).

ClinVar aggregate classification (germline): Pathogenic (1 of 4 stars; one submission).

Submission:

GeneDx
Classification: Pathogenic. Last evaluated: 2025-02-27. Review status: criteria provided, single submitter. Criteria: GeneDx Variant Classification Process June 2021. Collection method: clinical testing. Allele origin: germline. Affected: yes.
Comment: Nonsense variant predicted to result in protein truncation or nonsense mediated decay in a gene for which loss of function is a known mechanism of disease; Not observed at significant frequency in large population cohorts (gnomAD); This variant is associated with the following publications: (PMID: 32441320, 32445296)